The following is an entry in ClinVar:

ClinVar aggregate classification (germline): Uncertain significance (1 of 4 stars; one submission).

Submission:

GeneDx
Classification: Uncertain significance. Last evaluated: 2023-05-15. Review status: criteria provided, single submitter. Criteria: GeneDx Variant Classification Process June 2021. Collection method: clinical testing. Allele origin: germline. Affected: yes.
Comment: Not observed at significant frequency in large population cohorts (gnomAD); Has not been previously published as pathogenic or benign to our knowledge; Nonsense variant predicted to result in protein truncation as the last 59 amino acids are lost

NM_001007228.2(SPOP):c.946C>T (p.Gln316Ter)

Gene: SPOP (speckle type BTB/POZ protein; minus strand). Cytogenetic location: 17q21.33.
Variant type: single nucleotide variant.
Coding change: c.946C>T on transcript NM_001007228.2 (MANE Select); coding-DNA position 946, C replaced by T.
Protein change: p.Gln316Ter; replaces glutamine 316 with a stop codon.
Molecular consequence: nonsense.
Genome position (GRCh38, 1-based): chr17:49,601,899, G>A on the plus strand (C>T on the coding strand, the complement: SPOP is on the minus strand). VCF-style: chr17-49601899-G-A. GRCh37 (hg19) VCF-style: chr17-47679261-G-A.
Other names: c.946C>T, p.Gln316Ter (NM_001007226.1, NM_001007227.1, NM_001007229.1 and 5 more transcripts); short protein forms Q316*.
Identifiers: ClinVar variation 2662243 (VCV002662243.1), dbSNP rs2543778524, ClinGen allele CA400154806.